The following is an entry in ClinVar:

NM_022489.4(INF2):c.772G>A (p.Glu258Lys)

Gene: INF2 (inverted formin 2; plus strand). Cytogenetic location: 14q32.33.
Variant type: single nucleotide variant.
Coding change: c.772G>A on transcript NM_022489.4 (MANE Select); coding-DNA position 772, G replaced by A.
Protein change: p.Glu258Lys; replaces glutamic acid 258 with lysine.
Molecular consequence: missense variant.
Genome position (GRCh38, 1-based): chr14:104,706,105, G>A. VCF-style: chr14-104706105-G-A. GRCh37 (hg19) VCF-style: chr14-105172442-G-A.
Other names: c.772G>A, p.Glu258Lys (NM_001031714.4, NM_001426862.1, NM_001426863.1 and 2 more transcripts); short protein forms E258K.
Identifiers: ClinVar variation 2953216 (VCV002953216.3), dbSNP rs2541911536, ClinGen allele CA391214031.

ClinVar aggregate classification (germline): Uncertain significance (1 of 4 stars; one submission).

Conditions:
Charcot-Marie-Tooth disease dominant intermediate E. Also called: CHARCOT-MARIE-TOOTH NEUROPATHY WITH FOCAL SEGMENTAL GLOMERULONEPHRITIS. Identifiers: Orphanet 93114, MedGen C4302667, MONDO:0013758, OMIM 614455.
Focal segmental glomerulosclerosis 5 (FSGS5). Identifiers: Orphanet 656, MedGen C2750475, MONDO:0013191, OMIM 613237.

Submission:

Labcorp Genetics (formerly Invitae), Labcorp
Classification: Uncertain significance for Charcot-Marie-Tooth disease dominant intermediate E; Focal segmental glomerulosclerosis 5. Last evaluated: 2023-10-23. Review status: criteria provided, single submitter. Criteria: Invitae Variant Classification Sherloc (09022015). Collection method: clinical testing. Allele origin: germline.
Comment: This sequence change replaces glutamic acid, which is acidic and polar, with lysine, which is basic and polar, at codon 258 of the INF2 protein (p.Glu258Lys). This variant is not present in population databases (gnomAD no frequency). This variant has not been reported in the literature in individuals affected with INF2-related conditions. Advanced modeling of protein sequence and biophysical properties (such as structural, functional, and spatial information, amino acid conservation, physicochemical variation, residue mobility, and thermodynamic stability) has been performed at Invitae for this missense variant, however the output from this modeling did not meet the statistical confidence thresholds required to predict the impact of this variant on INF2 protein function. In summary, the available evidence is currently insufficient to determine the role of this variant in disease. Therefore, it has been classified as a Variant of Uncertain Significance.